The following is an entry in ClinVar:

ClinVar aggregate classification (germline): Conflicting classifications of pathogenicity. Review status: criteria provided, conflicting classifications (1 of 4 stars). 5 submissions from 5 submitters: Uncertain significance (4); Likely benign (1). Last evaluated 2025-10-23.

Conditions:
Hereditary breast ovarian cancer syndrome. Also called: Hereditary breast and ovarian cancer syndrome (HBOC); Hereditary breast and ovarian cancer; Hereditary breast and/or ovarian cancer syndrome; Hereditary breast and ovarian cancer syndrome; Breast and ovarian cancer; BRCA1- and BRCA2-Associated Hereditary Breast and Ovarian Cancer. Identifiers: Orphanet 145, MedGen C0677776, MeSH D061325, MONDO:0003582. Disease mechanism: loss of function.
Hereditary cancer-predisposing syndrome. Also called: Neoplastic Syndromes, Hereditary; Tumor predisposition; Hereditary neoplastic syndrome; Hereditary Cancer Syndrome. Identifiers: Orphanet 140162, MedGen C0027672, MeSH D009386, MONDO:0015356.

Submissions (5):

Quest Diagnostics Nichols Institute San Juan Capistrano
Classification: Uncertain significance. Last evaluated: 2025-10-23. Review status: criteria provided, single submitter. Criteria: Quest Diagnostics criteria. Collection method: clinical testing. Allele origin: unknown.
Comment: The BRCA2 c.4415A>G (p.Lys1472Arg) variant has been reported in the published literature in an individual with kidney cancer and sarcoma (PMID: 35534704 (2022)), and described to be located in a region of the BRCA2 gene that is tolerant to missense sequence changes (PMID: 31911673 (2020)). This variant has not been reported in large, multi-ethnic general populations (Genome Aggregation Database). Analysis of this variant using bioinformatics tools for the prediction of the effect of amino acid changes on protein structure and function yielded predictions that this variant is benign. Based on the available information, we are unable to determine the clinical significance of this variant.

Labcorp Genetics (formerly Invitae), Labcorp
Classification: Uncertain significance for Hereditary breast ovarian cancer syndrome. Last evaluated: 2024-08-12. Review status: criteria provided, single submitter. Criteria: Invitae Variant Classification Sherloc (09022015). Collection method: clinical testing. Allele origin: germline.
Comment: This sequence change replaces lysine, which is basic and polar, with arginine, which is basic and polar, at codon 1472 of the BRCA2 protein (p.Lys1472Arg). This variant is not present in population databases (gnomAD no frequency). This variant has not been reported in the literature in individuals affected with BRCA2-related conditions. ClinVar contains an entry for this variant (Variation ID: 839914). Advanced modeling of protein sequence and biophysical properties (such as structural, functional, and spatial information, amino acid conservation, physicochemical variation, residue mobility, and thermodynamic stability) performed at Invitae indicates that this missense variant is not expected to disrupt BRCA2 protein function with a negative predictive value of 95%. In summary, the available evidence is currently insufficient to determine the role of this variant in disease. Therefore, it has been classified as a Variant of Uncertain Significance.

Color Diagnostics, LLC DBA Color Health
Classification: Uncertain significance for Hereditary cancer-predisposing syndrome. Last evaluated: 2023-11-07. Review status: criteria provided, single submitter. Criteria: ACMG Guidelines, 2015. Collection method: clinical testing. Allele origin: germline.
Comment: This missense variant replaces lysine with arginine at codon 1472 of the BRCA2 protein. Computational prediction suggests that this variant may not impact protein structure and function (internally defined REVEL score threshold <= 0.5, PMID: 27666373). To our knowledge, functional studies have not been reported for this variant. This variant has not been reported in individuals affected with BRCA2-related disorders in the literature. This variant has not been identified in the general population by the Genome Aggregation Database (gnomAD). The available evidence is insufficient to determine the role of this variant in disease conclusively. Therefore, this variant is classified as a Variant of Uncertain Significance.

University of Washington Department of Laboratory Medicine, University of Washington
Classification: Likely benign for Hereditary cancer-predisposing syndrome. Last evaluated: 2023-03-23. Review status: criteria provided, single submitter. Criteria: Dines et al. (Genet Med. 2020). Collection method: curation. Allele origin: germline.
Comment: Missense variant in a coldspot region where missense variants are very unlikely to be pathogenic (PMID:31911673).

BRCA2 exon 11 coldspot. Reclassification based on statistical prior probability.

Ambry Genetics
Classification: Uncertain significance for Hereditary cancer-predisposing syndrome. Last evaluated: 2023-01-17. Review status: criteria provided, single submitter. Criteria: Ambry Variant Classification Scheme 2023. Collection method: clinical testing. Allele origin: germline.
Comment: The p.K1472R variant (also known as c.4415A>G), located in coding exon 10 of the BRCA2 gene, results from an A to G substitution at nucleotide position 4415. The lysine at codon 1472 is replaced by arginine, an amino acid with highly similar properties. This amino acid position is poorly conserved in available vertebrate species. In addition, this alteration is predicted to be tolerated by in silico analysis. Since supporting evidence is limited at this time, the clinical significance of this alteration remains unclear.

Literature cited by the submitters: PubMed 31911673 (cited by Quest Diagnostics Nichols Institute San Juan Capistrano); PubMed 35534704 (cited by Quest Diagnostics Nichols Institute San Juan Capistrano).

NM_000059.4(BRCA2):c.4415A>G (p.Lys1472Arg)

Gene: BRCA2 (BRCA2 DNA repair associated; plus strand). Cytogenetic location: 13q13.1.
Variant type: single nucleotide variant.
Coding change: c.4415A>G on transcript NM_000059.4 (MANE Select); coding-DNA position 4415, A replaced by G.
Protein change: p.Lys1472Arg; replaces lysine 1472 with arginine.
Molecular consequence: missense variant.
Genome position (GRCh38, 1-based): chr13:32,338,770, A>G. VCF-style: chr13-32338770-A-G. GRCh37 (hg19) VCF-style: chr13-32912907-A-G.
Other names: short protein forms K1472R.
Identifiers: ClinVar variation 839914 (VCV000839914.14), dbSNP rs2072503705, ClinGen allele CA387781204.